The following is an entry in ClinVar:

NM_007194.4(CHEK2):c.589A>T (p.Lys197Ter)

Gene: CHEK2 (checkpoint kinase 2; minus strand). Cytogenetic location: 22q12.1.
Variant type: single nucleotide variant.
Coding change: c.589A>T on transcript NM_007194.4 (MANE Select); coding-DNA position 589, A replaced by T.
Protein change: p.Lys197Ter; replaces lysine 197 with a stop codon.
Molecular consequence: nonsense. On other transcripts: 5 prime UTR variant (2), intron variant (1).
Genome position (GRCh38, 1-based): chr22:28,724,980, T>A on the plus strand (A>T on the coding strand, the complement: CHEK2 is on the minus strand). VCF-style: chr22-28724980-T-A. GRCh37 (hg19) VCF-style: chr22-29120968-T-A.
Other names: c.718A>T, p.Lys240Ter (NM_001005735.3, NM_001438294.1); c.-189A>T (NM_001257387.3); c.-75A>T (NM_001437942.1); c.682A>T, p.Lys228Ter (NM_001438293.1, NM_001438295.1); c.589A>T, p.Lys197Ter (NM_145862.3); c.445-57A>T (NM_001349956.3); short protein forms K197*, K228*, K240*.
Identifiers: ClinVar variation 4843226 (VCV004843226.1).

ClinVar aggregate classification (germline): Pathogenic (1 of 4 stars; one submission).

Conditions:
Hereditary cancer-predisposing syndrome. Also called: Neoplastic Syndromes, Hereditary; Tumor predisposition; Hereditary Cancer Syndrome; Hereditary neoplastic syndrome. Identifiers: Orphanet 140162, MedGen C0027672, MeSH D009386, MONDO:0015356.

Submission:

Ambry Genetics
Classification: Pathogenic for Hereditary cancer-predisposing syndrome. Last evaluated: 2026-01-22. Review status: criteria provided, single submitter. Criteria: Ambry Variant Classification Scheme 2023. Collection method: clinical testing. Allele origin: germline.
Comment: The p.K197* pathogenic mutation (also known as c.589A>T), located in coding exon 3 of the CHEK2 gene, results from an A to T substitution at nucleotide position 589. This changes the amino acid from a lysine to a stop codon within coding exon 3. This variant is considered to be rare based on population cohorts in the Genome Aggregation Database (gnomAD). This alteration is expected to result in loss of function by premature protein truncation or nonsense-mediated mRNA decay. As such, this alteration is interpreted as a disease-causing mutation.